The following is an entry in ClinVar:

ClinVar aggregate classification (germline): Uncertain significance (1 of 4 stars; one submission).

Conditions:
Amyotrophic lateral sclerosis type 8 (ALS8). Identifiers: Orphanet 803, MedGen C1837728, MONDO:0012077, OMIM 608627.
Adult-onset proximal spinal muscular atrophy, autosomal dominant. Also called: Spinal muscular atrophy, late-onset, finkel type; FINKEL LATE-ADULT TYPE SMA. Identifiers: Orphanet 209335, MedGen C1854058, MONDO:0008453, OMIM 182980.

Submission:

Labcorp Genetics (formerly Invitae), Labcorp
Classification: Uncertain significance for Adult-onset proximal spinal muscular atrophy, autosomal dominant; Amyotrophic lateral sclerosis type 8. Last evaluated: 2020-09-03. Review status: criteria provided, single submitter. Criteria: Invitae Variant Classification Sherloc (09022015). Collection method: clinical testing. Allele origin: germline.
Comment: In summary, the available evidence is currently insufficient to determine the role of this variant in disease. Therefore, it has been classified as a Variant of Uncertain Significance. Algorithms developed to predict the effect of missense changes on protein structure and function are either unavailable or do not agree on the potential impact of this missense change (SIFT: "Not Available"; PolyPhen-2: "Probably Damaging"; Align-GVGD: "Not Available"). This variant has not been reported in the literature in individuals with VAPB-related conditions. This variant is not present in population databases (ExAC no frequency). This sequence change replaces glutamic acid with aspartic acid at codon 82 of the VAPB protein (p.Glu82Asp). The glutamic acid residue is moderately conserved and there is a small physicochemical difference between glutamic acid and aspartic acid.

NM_004738.5(VAPB):c.246G>C (p.Glu82Asp)

Gene: VAPB (VAMP associated protein B and C; plus strand). Cytogenetic location: 20q13.32.
Variant type: single nucleotide variant.
Coding change: c.246G>C on transcript NM_004738.5 (MANE Select); coding-DNA position 246, G replaced by C.
Protein change: p.Glu82Asp; replaces glutamic acid 82 with aspartic acid.
Molecular consequence: missense variant. On other transcripts: intron variant (1).
Genome position (GRCh38, 1-based): chr20:58,434,636, G>C. VCF-style: chr20-58434636-G-C. GRCh37 (hg19) VCF-style: chr20-57009692-G-C.
Other names: c.212-9441G>C (NM_001195677.2); short protein forms E82D.
Identifiers: ClinVar variation 1055705 (VCV001055705.9), dbSNP rs2123088925, ClinGen allele CA409439118.